The following is an entry in ClinVar:

ClinVar aggregate classification (germline): Conflicting classifications of pathogenicity. Review status: criteria provided, conflicting classifications (1 of 4 stars). 2 submissions from 2 submitters: Uncertain significance (1); Likely benign (1). Last evaluated 2026-07-01.

Conditions:
Hereditary cancer-predisposing syndrome. Also called: Tumor predisposition; Hereditary neoplastic syndrome; Hereditary Cancer Syndrome; Neoplastic Syndromes, Hereditary. Identifiers: Orphanet 140162, MedGen C0027672, MeSH D009386, MONDO:0015356.
Gorlin syndrome. Also called: Basal cell nevus syndrome; Nevoid Basal Cell Carcinoma Syndrome. Identifiers: Orphanet 377, MedGen C0004779, MONDO:0007187.

Submissions (2):

Ambry Genetics
Classification: Likely benign for Hereditary cancer-predisposing syndrome. Last evaluated: 2026-07-01. Review status: criteria provided, single submitter. Criteria: Ambry Variant Classification Scheme 2023. Collection method: clinical testing. Allele origin: germline.

Labcorp Genetics (formerly Invitae), Labcorp
Classification: Uncertain significance for Gorlin syndrome. Last evaluated: 2024-12-07. Review status: criteria provided, single submitter. Criteria: Invitae Variant Classification Sherloc (09022015). Collection method: clinical testing. Allele origin: germline.
Comment: This sequence change replaces histidine, which is basic and polar, with glutamine, which is neutral and polar, at codon 1277 of the PTCH1 protein (p.His1277Gln). This variant is not present in population databases (gnomAD no frequency). This variant has not been reported in the literature in individuals affected with PTCH1-related conditions. Invitae Evidence Modeling of protein sequence and biophysical properties (such as structural, functional, and spatial information, amino acid conservation, physicochemical variation, residue mobility, and thermodynamic stability) indicates that this missense variant is not expected to disrupt PTCH1 protein function with a negative predictive value of 95%. In summary, the available evidence is currently insufficient to determine the role of this variant in disease. Therefore, it has been classified as a Variant of Uncertain Significance.

NM_000264.5(PTCH1):c.3831C>A (p.His1277Gln)

Gene: PTCH1 (patched 1; minus strand). Cytogenetic location: 9q22.32.
Variant type: single nucleotide variant.
Coding change: c.3831C>A on transcript NM_000264.5 (MANE Select); coding-DNA position 3831, C replaced by A.
Protein change: p.His1277Gln; replaces histidine 1277 with glutamine.
Molecular consequence: missense variant. On other transcripts: non-coding transcript variant (1).
Genome position (GRCh38, 1-based): chr9:95,447,425, G>T on the plus strand (C>A on the coding strand, the complement: PTCH1 is on the minus strand). VCF-style: chr9-95447425-G-T. GRCh37 (hg19) VCF-style: chr9-98209707-G-T.
Other names: c.3633C>A, p.His1211Gln (NM_001083602.3); c.3828C>A, p.His1276Gln (NM_001083603.3); c.3378C>A, p.His1126Gln (NM_001083604.3, NM_001083605.3, NM_001083606.3 and 1 more transcripts); c.3675C>A, p.His1225Gln (NM_001354918.2); short protein forms H1126Q, H1211Q, H1225Q, H1277Q, H1276Q.
Identifiers: ClinVar variation 3673403 (VCV003673403.4).
Genomic context (GRCh38, chr9:95,447,425, plus strand): 5'-CCGTCCGGGAGGCAGGGACCCTGAGTCCAGGTGGGGCTGCTGTCTCGGGTTCGAGGGTGG[G>T]TGATGCCTGGATTCGGGATGGACCACCTGCAGAGGGTGAGGGTGGGTTAGAAGGGTGGTA-3'
Protein context (NP_000255.2, residues 1267-1287): STVVHPESRH[His1277Gln]PPSNPRQQPH